The following is an entry in ClinVar:

ClinVar aggregate classification (germline): Likely benign. Review status: criteria provided, single submitter (1 of 4 stars). 2 submissions from 2 submitters: Likely benign (1). 1 of the submissions does not count toward it. Last evaluated 2024-07-18.

Conditions:
SLC22A4-related disorder. Also called: SLC22A4-related condition.

Allele frequency attached by ClinVar (database versions not stated): ExAC 0.00062; ESP Exome Variant Server 0.00208; gnomAD 0.00211; TOPMed 0.00247; 1000 Genomes Project 30x 0.00297; 1000 Genomes Project 0.00319.
gnomAD v4.1: 657 of 1,614,162 alleles (0.041%); highest among the groups gnomAD compares: African/African-American, 0.78%; 1 homozygote.

Submissions (2):

Blueprint Genetics
Classification: Likely benign. Last evaluated: 2024-07-18. Review status: criteria provided, single submitter. Criteria: ACMG Guidelines, 2015. Collection method: clinical testing. Allele origin: germline.

PreventionGenetics, part of Exact Sciences
Classification: Likely benign for SLC22A4-related condition. Last evaluated: 2019-04-24. Review status: no assertion criteria provided. Collection method: clinical testing. Allele origin: germline. Not counted in ClinVar's aggregate classification.
Comment: This variant is classified as likely benign based on ACMG/AMP sequence variant interpretation guidelines (Richards et al. 2015 PMID: 25741868, with internal and published modifications).

NM_003059.3(SLC22A4):c.-10A>T

Gene: SLC22A4 (solute carrier family 22 member 4; plus strand). Cytogenetic location: 5q31.1.
Variant type: single nucleotide variant.
Coding change: c.-10A>T on transcript NM_003059.3 (MANE Select); 10 bases upstream of the start codon, A replaced by T.
Molecular consequence: 5 prime UTR variant.
Genome position (GRCh38, 1-based): chr5:132,294,607, A>T. VCF-style: chr5-132294607-A-T. GRCh37 (hg19) VCF-style: chr5-131630300-A-T.
Identifiers: ClinVar variation 3039399 (VCV003039399.3), dbSNP rs11568501, ClinGen allele CA3403279.